The following is an entry in ClinVar:

NM_002335.4(LRP5):c.469G>C (p.Ala157Pro)

Gene: LRP5 (LDL receptor related protein 5; plus strand). Cytogenetic location: 11q13.2.
Variant type: single nucleotide variant.
Coding change: c.469G>C on transcript NM_002335.4 (MANE Select); coding-DNA position 469, G replaced by C.
Protein change: p.Ala157Pro; replaces alanine 157 with proline.
Molecular consequence: missense variant. On other transcripts: 5 prime UTR variant (1).
Genome position (GRCh38, 1-based): chr11:68,348,224, G>C. VCF-style: chr11-68348224-G-C. GRCh37 (hg19) VCF-style: chr11-68115692-G-C.
Other names: c.-1297G>C (NM_001291902.2); short protein forms A157P.
Identifiers: ClinVar variation 1421088 (VCV001421088.8), dbSNP rs762734738, ClinGen allele CA381610843.

ClinVar aggregate classification (germline): Uncertain significance (1 of 4 stars; one submission).

Submission:

Labcorp Genetics (formerly Invitae), Labcorp
Classification: Uncertain significance. Last evaluated: 2024-12-15. Review status: criteria provided, single submitter. Criteria: Invitae Variant Classification Sherloc (09022015). Collection method: clinical testing. Allele origin: germline.
Comment: This sequence change replaces alanine, which is neutral and non-polar, with proline, which is neutral and non-polar, at codon 157 of the LRP5 protein (p.Ala157Pro). This variant is not present in population databases (gnomAD no frequency). This missense change has been observed in individual(s) with clinical features of autosomal recessive osteoporosis-pseudoglioma syndrome (internal data). ClinVar contains an entry for this variant (Variation ID: 1421088). Invitae Evidence Modeling of protein sequence and biophysical properties (such as structural, functional, and spatial information, amino acid conservation, physicochemical variation, residue mobility, and thermodynamic stability) indicates that this missense variant is expected to disrupt LRP5 protein function with a positive predictive value of 95%. In summary, the available evidence is currently insufficient to determine the role of this variant in disease. Therefore, it has been classified as a Variant of Uncertain Significance.